The following is an entry in ClinVar:

ClinVar aggregate classification (germline): Likely benign. Review status: criteria provided, multiple submitters, no conflicts (2 of 4 stars). 4 submissions from 4 submitters: Likely benign (4). Last evaluated 2025-11-11.

Conditions:
RYR1-related disorder. Also called: RYR1-related disorders; RYR1-related condition. Identifiers: MedGen CN239331.
Malignant hyperthermia, susceptibility to, 1 (MHS1). Also called: Anesthesia related hyperthermia; Malignant hyperpyrexia; Fulminating hyperpyrexia; Pharmacogenic myopathy; RYR1-Related Malignant Hyperthermia Susceptibility; Malignant hyperthermia suceptibility 1. Identifiers: Orphanet 423, MedGen C2930980, MONDO:0007783, OMIM 145600.

Allele frequency attached by ClinVar (database versions not stated): gnomAD exomes 0.00001.
gnomAD v4.1: 9 of 1,597,936 alleles (0.00056%); highest among the groups gnomAD compares: Admixed American, 0.0034%; no homozygotes.

Submissions (4):

Labcorp Genetics (formerly Invitae), Labcorp
Classification: Likely benign for RYR1-related disorder. Last evaluated: 2025-11-11. Review status: criteria provided, single submitter. Criteria: Invitae Variant Classification Sherloc (09022015). Collection method: clinical testing. Allele origin: germline.

All of Us Research Program, National Institutes of Health
Classification: Likely benign for Malignant hyperthermia, susceptibility to, 1. Last evaluated: 2023-05-16. Review status: criteria provided, single submitter. Criteria: ACMG Guidelines, 2015. Collection method: clinical testing. Allele origin: germline. Inheritance: Autosomal dominant inheritance. Observed: 1 variant allele, 1 heterozygote.
Comment: This study involves interpretation of variants in research participants for the purpose of population health screening. Participant phenotype was not available at the time of variant classification. Additional details can be found in publication PMID: 35346344, PMCID: PMC8962531

Color Diagnostics, LLC DBA Color Health
Classification: Likely benign for Malignant hyperthermia, susceptibility to, 1. Last evaluated: 2022-12-07. Review status: criteria provided, single submitter. Criteria: ACMG Guidelines, 2015. Collection method: clinical testing. Allele origin: germline.

PreventionGenetics, part of Exact Sciences
Classification: Likely benign. Last evaluated: 2016-05-31. Review status: criteria provided, single submitter. Criteria: ACMG Guidelines, 2015. Collection method: clinical testing. Allele origin: germline.

NM_000540.3(RYR1):c.10245C>T (p.Tyr3415=)

Gene: RYR1 (ryanodine receptor 1; plus strand). Cytogenetic location: 19q13.2.
Variant type: single nucleotide variant.
Coding change: c.10245C>T on transcript NM_000540.3 (MANE Select); coding-DNA position 10245, C replaced by T.
Protein change: p.Tyr3415=; no amino-acid change (tyrosine 3415 retained).
Molecular consequence: synonymous variant.
Genome position (GRCh38, 1-based): chr19:38,519,440, C>T. VCF-style: chr19-38519440-C-T. GRCh37 (hg19) VCF-style: chr19-39010080-C-T.
Other names: c.10245C>T, p.Tyr3415= (NM_001042723.2).
Identifiers: ClinVar variation 590364 (VCV000590364.5), dbSNP rs1447214717, ClinGen allele CA507354667.